The following is an entry in ClinVar:

NM_032119.4(ADGRV1):c.8620C>T (p.Gln2874Ter)

Gene: ADGRV1 (adhesion G protein-coupled receptor V1; plus strand). Cytogenetic location: 5q14.3.
Variant type: single nucleotide variant.
Coding change: c.8620C>T on transcript NM_032119.4 (MANE Select); coding-DNA position 8620, C replaced by T.
Protein change: p.Gln2874Ter; replaces glutamine 2874 with a stop codon.
Molecular consequence: nonsense. On other transcripts: non-coding transcript variant (1).
Genome position (GRCh38, 1-based): chr5:90,706,284, C>T. VCF-style: chr5-90706284-C-T. GRCh37 (hg19) VCF-style: chr5-90002101-C-T.
Other names: short protein forms Q2874*.
Identifiers: ClinVar variation 666993 (VCV000666993.12), dbSNP rs758834029, ClinGen allele CA360391975.

ClinVar aggregate classification (germline): Pathogenic. Review status: criteria provided, multiple submitters, no conflicts (2 of 4 stars). 3 submissions from 3 submitters: Pathogenic (3). Last evaluated 2023-08-17.

Conditions:
ADGRV1-related disorder. Also called: ADGRV1-related disorders; ADGRV1-related condition.
Rare genetic deafness. Identifiers: Orphanet 96210, MedGen C5680250.

gnomAD v4.1: 1 of 1,613,296 alleles (0.000062%); highest among the groups gnomAD compares: Middle Eastern, 0.017%; no homozygotes.

Submissions (3):

Labcorp Genetics (formerly Invitae), Labcorp
Classification: Pathogenic. Last evaluated: 2023-08-17. Review status: criteria provided, single submitter. Criteria: Invitae Variant Classification Sherloc (09022015). Collection method: clinical testing. Allele origin: germline.
Comment: For these reasons, this variant has been classified as Pathogenic. ClinVar contains an entry for this variant (Variation ID: 666993). This variant has not been reported in the literature in individuals affected with ADGRV1-related conditions. This variant is not present in population databases (gnomAD no frequency). This sequence change creates a premature translational stop signal (p.Gln2874*) in the ADGRV1 gene. It is expected to result in an absent or disrupted protein product. Loss-of-function variants in ADGRV1 are known to be pathogenic (PMID: 19357117, 22135276, 22147658, 26226137, 30718709, 31047384, 32467589).

Blueprint Genetics
Classification: Pathogenic for ADGRV1-related disorders. Last evaluated: 2021-09-02. Review status: criteria provided, single submitter. Criteria: ACMG Guidelines, 2015. Collection method: clinical testing. Allele origin: germline. Affected: yes. Observed: 5 variant alleles.

Laboratory for Molecular Medicine, Mass General Brigham Personalized Medicine
Classification: Pathogenic for Rare genetic deafness. Last evaluated: 2018-08-10. Review status: criteria provided, single submitter. Criteria: LMM Criteria. Collection method: clinical testing. Allele origin: germline. Inheritance: Autosomal recessive inheritance. Observed: 4 variant alleles.
Comment: This variant was absent from large population s tudies. This nonsense variant leads to a premature termination codon at position 2874, which is predicted to lead to a truncated or absent protein. Loss of func tion of the ADGRV1 gene is an established disease mechanism in individuals with Usher syndrome. In summary, the p.Gln2874X variant is pathogenic for autosomal r ecessive Usher syndrome. ACMG/AMP Criteria applied: PVS1, PM2, PP1.

Literature cited by the submitters: PubMed 19357117 (cited by Labcorp Genetics (formerly Invitae), Labcorp); PubMed 22135276 (cited by Labcorp Genetics (formerly Invitae), Labcorp); PubMed 22147658 (cited by Labcorp Genetics (formerly Invitae), Labcorp); PubMed 26226137 (cited by Labcorp Genetics (formerly Invitae), Labcorp); PubMed 30718709 (cited by Labcorp Genetics (formerly Invitae), Labcorp); PubMed 31047384 (cited by Labcorp Genetics (formerly Invitae), Labcorp); PubMed 32467589 (cited by Labcorp Genetics (formerly Invitae), Labcorp).